The following is an entry in ClinVar:

ClinVar aggregate classification (germline): Uncertain significance. Review status: criteria provided, multiple submitters, no conflicts (2 of 4 stars). 2 submissions from 2 submitters: Uncertain significance (2). Last evaluated 2023-10-13.

Conditions:
Inborn genetic diseases. Identifiers: MedGen C0950123, MeSH D030342.

Allele frequency attached by ClinVar (database versions not stated): ExAC 0.00002; gnomAD 0.00002; ESP Exome Variant Server 0.00008.
gnomAD v4.1: 29 of 1,612,862 alleles (0.0018%); highest among the groups gnomAD compares: South Asian, 0.0011%; no homozygotes.

Submissions (2):

Ambry Genetics
Classification: Uncertain significance for Inborn genetic diseases. Last evaluated: 2023-10-13. Review status: criteria provided, single submitter. Criteria: Ambry Variant Classification Scheme 2023. Collection method: clinical testing. Allele origin: germline.

Labcorp Genetics (formerly Invitae), Labcorp
Classification: Uncertain significance. Last evaluated: 2022-03-26. Review status: criteria provided, single submitter. Criteria: Invitae Variant Classification Sherloc (09022015). Collection method: clinical testing. Allele origin: germline.
Comment: This sequence change replaces serine, which is neutral and polar, with threonine, which is neutral and polar, at codon 45 of the FAM111A protein (p.Ser45Thr). In summary, the available evidence is currently insufficient to determine the role of this variant in disease. Therefore, it has been classified as a Variant of Uncertain Significance. Algorithms developed to predict the effect of missense changes on protein structure and function are either unavailable or do not agree on the potential impact of this missense change (SIFT: "Deleterious"; PolyPhen-2: "Possibly Damaging"; Align-GVGD: "Class C0"). This variant has not been reported in the literature in individuals affected with FAM111A-related conditions. This variant is present in population databases (rs369963232, gnomAD 0.05%).

NM_001312909.2(FAM111A):c.133T>A (p.Ser45Thr)

Gene: FAM111A (FAM111 trypsin like peptidase A; plus strand). Cytogenetic location: 11q12.1.
Variant type: single nucleotide variant.
Coding change: c.133T>A on transcript NM_001312909.2 (MANE Select); coding-DNA position 133, T replaced by A.
Protein change: p.Ser45Thr; replaces serine 45 with threonine.
Molecular consequence: missense variant.
Genome position (GRCh38, 1-based): chr11:59,151,801, T>A. VCF-style: chr11-59151801-T-A. GRCh37 (hg19) VCF-style: chr11-58919274-T-A.
Other names: c.133T>A (NM_001142520.1); c.133T>A, p.Ser45Thr (NM_001142519.3, NM_001142520.3, NM_001142521.3 and 29 more transcripts); short protein forms S45T.
Identifiers: ClinVar variation 2166325 (VCV002166325.5), dbSNP rs369963232, ClinGen allele CA6016513.